The following is an entry in ClinVar:

ClinVar aggregate classification (germline): Uncertain significance. Review status: criteria provided, multiple submitters, no conflicts (2 of 4 stars). 2 submissions from 2 submitters: Uncertain significance (2). Last evaluated 2025-12-22.

Conditions:
Malignant hyperthermia, susceptibility to, 1 (MHS1). Also called: Malignant hyperthermia suceptibility 1; Anesthesia related hyperthermia; Malignant hyperpyrexia; Fulminating hyperpyrexia; Pharmacogenic myopathy; RYR1-Related Malignant Hyperthermia Susceptibility. Identifiers: Orphanet 423, MedGen C2930980, MONDO:0007783, OMIM 145600.
RYR1-related disorder. Also called: RYR1-related disorders; RYR1-related condition. Identifiers: MedGen CN239331.

Submissions (2):

Labcorp Genetics (formerly Invitae), Labcorp
Classification: Uncertain significance for RYR1-related disorder. Last evaluated: 2025-12-22. Review status: criteria provided, single submitter. Criteria: Invitae Variant Classification Sherloc (09022015). Collection method: clinical testing. Allele origin: germline.
Comment: This sequence change replaces serine, which is neutral and polar, with threonine, which is neutral and polar, at codon 557 of the RYR1 protein (p.Ser557Thr). Information on the frequency of this variant in the gnomAD database is not available, as this variant may be reported differently in the database. This variant has not been reported in the literature in individuals affected with RYR1-related conditions. ClinVar contains an entry for this variant (Variation ID: 2911977). Experimental studies and prediction algorithms are not available or were not evaluated, and the functional significance of this variant is currently unknown. In summary, the available evidence is currently insufficient to determine the role of this variant in disease. Therefore, it has been classified as a Variant of Uncertain Significance.

Color Diagnostics, LLC DBA Color Health
Classification: Uncertain significance for Malignant hyperthermia, susceptibility to, 1. Last evaluated: 2024-03-04. Review status: criteria provided, single submitter. Criteria: ACMG Guidelines, 2015. Collection method: clinical testing. Allele origin: germline.
Comment: This missense variant replaces serine with threonine at codon 557 of the RYR1 protein. To our knowledge, functional studies have not been reported for this variant. This variant has not been reported in individuals affected with RYR1-related disorders in the literature. This variant has not been identified in the general population by the Genome Aggregation Database (gnomAD). The available evidence is insufficient to determine the role of this variant in disease conclusively. Therefore, this variant is classified as a Variant of Uncertain Significance.

NM_000540.3(RYR1):c.1668_1669delinsAA (p.Ser557Thr)

Gene: RYR1 (ryanodine receptor 1; plus strand). Cytogenetic location: 19q13.2.
Variant type: Indel.
Coding change: c.1668_1669delinsAA on transcript NM_000540.3 (MANE Select); coding-DNA positions 1668 to 1669, GT replaced by AA.
Protein change: p.Ser557Thr; replaces serine 557 with threonine.
Molecular consequence: missense variant.
Genome position (GRCh38, 1-based): chr19:38,455,542-38,455,543, GT replaced by AA. VCF-style: chr19-38455542-GT-AA. GRCh37 (hg19) VCF-style: chr19-38946182-GT-AA.
Other names: c.1668_1669delinsAA, p.Ser557Thr (NM_001042723.2); short protein forms S557T.
Identifiers: ClinVar variation 2911977 (VCV002911977.4), dbSNP rs2514027284, ClinGen allele CA2739276739.
Genomic context (GRCh38, chr19:38,455,542, plus strand): 5'-TGCCCTCTTCTCCACAAACTTGGACTGGCTGGTCAGCAAGCTGGATCGGCTGGAGGCCTC[GT>AA]CTGGTAGGAGAACCCGGGGGAGTGGGACAGAGGCTTGTGGGAGGGGATGGGCATGGCCGC-3'
Protein context (NP_000531.2, residues 547-567): VSKLDRLEAS[Ser557Thr]GILEVLYCVL